The following is an entry in ClinVar:

NM_020297.4(ABCC9):c.3605C>T (p.Thr1202Met)

Genes: ABCC9 (ATP binding cassette subfamily C member 9; minus strand), KCNJ8-AS1 (KCNJ8 antisense RNA 1; plus strand). Cytogenetic location: 12p12.1.
Variant type: single nucleotide variant.
Coding change: c.3605C>T on transcript NM_020297.4 (MANE Select); coding-DNA position 3605, C replaced by T.
Protein change: p.Thr1202Met; replaces threonine 1202 with methionine.
Molecular consequence: missense variant.
Genome position (GRCh38, 1-based): chr12:21,829,022, G>A on the plus strand (C>T on the coding strand, the complement: ABCC9 is on the minus strand). VCF-style: chr12-21829022-G-A. GRCh37 (hg19) VCF-style: chr12-21981956-G-A.
Other names: c.3605C>T, p.Thr1202Met (NM_001377273.1, NM_005691.4); c.2738C>T, p.Thr913Met (NM_001377274.1); c.3605C>T (NM_020297.2); short protein forms T1202M, T913M.
Identifiers: ClinVar variation 1323823 (VCV001323823.10), dbSNP rs2137272605, ClinGen allele CA384140242.
Genomic context (GRCh38, chr12:21,829,022, plus strand): 5'-CTGACCTCCAGCCATCTGTTGGCAGCTGAGAGAAATAAGTAGGCAATGTTGTTTGTATCC[G>A]TCAGTTCCAGCATACGTTGTTTAAATCTGGTTTCATGCCTGCAGAAAACAAAAACACGAT-3'
Protein context (NP_064693.2, residues 1192-1212): TRFKQRMLEL[Thr1202Met]DTNNIAYLFL

ClinVar aggregate classification (germline): Pathogenic/Likely pathogenic. Review status: criteria provided, multiple submitters, no conflicts (2 of 4 stars). 4 submissions from 4 submitters: Pathogenic (3); Likely pathogenic (1). Last evaluated 2026-04-16.

Conditions:
Dilated cardiomyopathy 1O (CMD1O). Also called: CARDIOMYOPATHY, DILATED, WITH VENTRICULAR TACHYCARDIA. Identifiers: Orphanet 154, MedGen C1837839, MONDO:0012062, OMIM 608569.
Hypertrichotic osteochondrodysplasia Cantu type. Also called: Cantú Syndrome; Cantu Syndrome. Identifiers: Orphanet 1517, MedGen C0795905, MONDO:0009406, OMIM 239850.

Allele frequency attached by ClinVar (database versions not stated): gnomAD exomes below 0.00001.
gnomAD v4.1: 1 of 1,613,822 alleles (0.000062%); highest among the groups gnomAD compares: Non-Finnish European, 0.000085%; no homozygotes.

Submissions (4):

GeneDx
Classification: Likely pathogenic. Last evaluated: 2026-04-16. Review status: criteria provided, single submitter. Criteria: GeneDx Variant Classification Process June 2021. Collection method: clinical testing. Allele origin: germline.
Comment: Identified in individuals with Cantu syndrome in published literature (PMID: 24352916, 31828977, 32622958); Not observed at significant frequency in large population cohorts (gnomAD); In silico analysis suggests that this missense variant does not alter protein structure/function; This variant is associated with the following publications: (PMID: 31907964, 31828977, 24352916, 32622958, 34056838)

Labcorp Genetics (formerly Invitae), Labcorp
Classification: Pathogenic for Dilated cardiomyopathy 1O. Last evaluated: 2022-08-20. Review status: criteria provided, single submitter. Criteria: Invitae Variant Classification Sherloc (09022015). Collection method: clinical testing. Allele origin: germline.
Comment: For these reasons, this variant has been classified as Pathogenic. Algorithms developed to predict the effect of missense changes on protein structure and function are either unavailable or do not agree on the potential impact of this missense change (SIFT: "Tolerated"; PolyPhen-2: "Possibly Damaging"; Align-GVGD: "Class C0"). ClinVar contains an entry for this variant (Variation ID: 1323823). This missense change has been observed in individual(s) with clinical features of Cantu syndrome (PMID: 24352916, 31907964, 32622958; Invitae). It has also been observed to segregate with disease in related individuals. This variant is not present in population databases (gnomAD no frequency). This sequence change replaces threonine, which is neutral and polar, with methionine, which is neutral and non-polar, at codon 1202 of the ABCC9 protein (p.Thr1202Met).

Victorian Clinical Genetics Services, Murdoch Childrens Research Institute
Classification: Pathogenic for Hypertrichotic osteochondrodysplasia Cantu type. Last evaluated: 2020-10-19. Review status: criteria provided, single submitter. Criteria: ACMG Guidelines, 2015. Collection method: clinical testing. Allele origin: germline. Inheritance: Autosomal dominant inheritance.
Comment: Based on the classification scheme VCGS_Germline_v1.3.3, this variant is classified as Pathogenic. Following criteria are met: 0103 - Loss of function and gain of function are known mechanisms of disease in this gene. Loss of function is associated with dilated cardiomyopathy (MIM# 608569; OMIM). Gain of function is associated with Cantu syndrome (MIM#239850; PMID: 22610116). (I) 0107 - This gene is associated with autosomal dominant disease. (I) 0200 - Variant is predicted to result in a missense amino acid change from threonine to methionine. (I) 0251 - This variant is heterozygous. (I) 0301 - Variant is absent from gnomAD (both v2 and v3). (SP) 0502 - Missense variant with conflicting in silico predictions and uninformative conservation. (I) 0600 - Variant is located in the annotated ABC membrane domain (PDB). (I) 0710 – Another missense variant comparable to the one identified in this case has inconclusive previous evidence for pathogenicity. A different variant in the same codon resulting in a change to an alanine has been reported as a VUS in ClinVar. (I) 0802 - This variant has moderate previous evidence of pathogenicity in unrelated individuals. This variant has been previously reported as pathogenic in two unrelated individuals and their affected fathers with Cantu syndrome (PMID: 24352916, 31828977, 32622958). (SP) 1102 - Strong phenotype match for this individual. Legend: (SP) - Supporting pathogenic, (I) - Information, (SB) - Supporting benign

Neuberg Centre For Genomic Medicine, NCGM
Classification: Pathogenic for Hypertrichotic osteochondrodysplasia Cantu type. Review status: criteria provided, single submitter. Criteria: ACMG Guidelines, 2015. Collection method: clinical testing. Allele origin: germline. Inheritance: Autosomal dominant inheritance. Affected: yes.
Comment: The missense c.3605C>T p.Thr1202Met variant in the ABCC9 gene which is located in a mutational hot spot has been reported previously in a heterozygous state in individuals affected with Cantu syndrome Hiraki et al., 2014; Ohko et al., 2020; Kortüm et al., 2020. Different amino acid change p.Thr1202Ala is reported as a known pathogenic variant. This variant has been reported to the ClinVar database as Pathogenic. This variant is absent in the gnomAD Exomes. The amino acid Thr at position 1202 is changed to a Met changing protein sequence and it might alter its composition and physico-chemical properties. Multiple lines of computational evidence Polyphen - Damaging, SIFT - Damaging and MutationTaster - Disease causing predict a damaging effect on protein structure and function for this variant. The amino acid change p.Thr1202Met in ABCC9 is predicted as conserved by GERP++ and PhyloP across 100 vertebrates. For these reasons, this variant has been classified as Pathogenic.

Literature cited by the submitters: PubMed 24352916 (cited by Labcorp Genetics (formerly Invitae), Labcorp and Victorian Clinical Genetics Services, Murdoch Childrens Research Institute); PubMed 31907964 (cited by Labcorp Genetics (formerly Invitae), Labcorp); PubMed 32622958 (cited by Labcorp Genetics (formerly Invitae), Labcorp and Victorian Clinical Genetics Services, Murdoch Childrens Research Institute); PubMed 22610116 (cited by Victorian Clinical Genetics Services, Murdoch Childrens Research Institute); PubMed 31828977 (cited by Victorian Clinical Genetics Services, Murdoch Childrens Research Institute).